The following is an entry in ClinVar:

ClinVar aggregate classification (germline): Uncertain significance (1 of 4 stars; one submission).

Conditions:
Inborn genetic diseases. Identifiers: MedGen C0950123, MeSH D030342.

Submission:

Ambry Genetics
Classification: Uncertain significance for Inborn genetic diseases. Last evaluated: 2025-02-02. Review status: criteria provided, single submitter. Criteria: Ambry Variant Classification Scheme 2023. Collection method: clinical testing. Allele origin: germline.
Comment: The p.G594R variant (also known as c.1780G>C), located in coding exon 12 of the ERCC6L2 gene, results from a G to C substitution at nucleotide position 1780. The glycine at codon 594 is replaced by arginine, an amino acid with dissimilar properties. This amino acid position is conserved. In addition, this alteration is predicted to be deleterious by in silico analysis. Based on the available evidence, the clinical significance of this variant remains unclear.

NM_020207.7(ERCC6L2):c.1780G>C (p.Gly594Arg)

Gene: ERCC6L2 (ERCC excision repair 6 like 2; plus strand). Cytogenetic location: 9q22.32.
Variant type: single nucleotide variant.
Coding change: c.1780G>C on transcript NM_020207.7 (MANE Select); coding-DNA position 1780, G replaced by C.
Protein change: p.Gly594Arg; replaces glycine 594 with arginine.
Molecular consequence: missense variant. On other transcripts: non-coding transcript variant (1).
Genome position (GRCh38, 1-based): chr9:95,941,482, G>C. VCF-style: chr9-95941482-G-C. GRCh37 (hg19) VCF-style: chr9-98703764-G-C.
Other names: c.1780G>C, p.Gly594Arg (NM_001010895.4, NM_001375291.1, NM_001375292.1 and 2 more transcripts); short protein forms G594R.
Identifiers: ClinVar variation 3845910 (VCV003845910.1).